The following is an entry in ClinVar:

ClinVar aggregate classification (germline): Likely pathogenic (1 of 4 stars; one submission).

Submission:

Human Genetics Bochum, Ruhr University Bochum
Classification: Likely pathogenic. Last evaluated: 2023-08-28. Review status: criteria provided, single submitter. Criteria: ACMG Guidelines, 2015. Collection method: clinical testing. Allele origin: germline. Affected: yes.
Comment: ACMG criteria used to clasify this variant: PVS1, PM2_SUP

NM_004380.3(CREBBP):c.6123del (p.Met2042fs)

Gene: CREBBP (CREB binding protein; minus strand). Cytogenetic location: 16p13.3.
Variant type: Deletion.
Coding change: c.6123del on transcript NM_004380.3 (MANE Select); coding-DNA position 6123, one base deleted (C; older notation c.6123delC).
Protein change: p.Met2042fs; shifts the reading frame from methionine 2042.
Molecular consequence: frameshift variant.
Genome position (GRCh38, 1-based): chr16:3,728,924, G deleted on the plus strand (C on the coding strand, the reverse complement: CREBBP is on the minus strand); the first of 2 consecutive G bases (chr16:3,728,924-3,728,925); deleting either gives the same sequence. VCF-style (leftmost placement, unchanged base first): chr16-3728923-TG-T. GRCh37 (hg19) VCF-style: chr16-3778924-TG-T.
Other names: c.6009del, p.Met2004fs (NM_001079846.1); short protein forms M2004fs, M2042fs.
Identifiers: ClinVar variation 3027442 (VCV003027442.1), dbSNP rs2548346936, ClinGen allele CA2740093245.